The following is an entry in ClinVar:

ClinVar aggregate classification (germline): Uncertain significance. Review status: criteria provided, multiple submitters, no conflicts (2 of 4 stars). 6 submissions from 6 submitters: Uncertain significance (6). Last evaluated 2026-02-03.

Conditions:
Inborn genetic diseases. Identifiers: MedGen C0950123, MeSH D030342.
Charcot-Marie-Tooth disease recessive intermediate C. Also called: CHARCOT-MARIE-TOOTH NEUROPATHY, RECESSIVE INTERMEDIATE C. Identifiers: Orphanet 369867, MedGen C3809309, MONDO:0014154, OMIM 615376.
Neuronopathy, distal hereditary motor, autosomal recessive 4. Also called: NEUROPATHY, DISTAL HEREDITARY MOTOR, AUTOSOMAL RECESSIVE 4; Autosomal recessive lower motor neuron disease with childhood onset. Identifiers: Orphanet 206580, MedGen C1970211, MONDO:0012608, OMIM 611067.

Allele frequency attached by ClinVar (database versions not stated): ESP Exome Variant Server 0.00015; gnomAD exomes 0.00019 and 0.00043; ExAC 0.00021; gnomAD 0.00029; TOPMed 0.00037.
gnomAD v4.1: 661 of 1,609,418 alleles (0.041%); highest among the groups gnomAD compares: Non-Finnish European, 0.052%; no homozygotes.

Submissions (6):

Women's Health and Genetics/Laboratory Corporation of America, LabCorp
Classification: Uncertain significance. Last evaluated: 2026-02-03. Review status: criteria provided, single submitter. Criteria: LabCorp Variant Classification Summary - May 2015. Collection method: clinical testing. Allele origin: germline.
Comment: Variant summary: PLEKHG5 c.2525G>A (p.Arg842Gln) results in a conservative amino acid change in the encoded protein sequence. Algorithms developed to predict the effect of missense changes on protein structure and function all suggest that this variant is likely to be tolerated. The variant allele was found at a frequency of 0.00019 in 236140 control chromosomes. This frequency is not significantly higher than estimated for disease-causing variants in PLEKHG5, allowing no conclusion about variant significance. To our knowledge, no occurrence of c.2525G>A in individuals affected with PLEKHG5-related conditions and no experimental evidence demonstrating its impact on protein function have been reported. ClinVar contains an entry for this variant (Variation ID: 245769). Based on the evidence outlined above, the variant was classified as uncertain significance.

Mayo Clinic Laboratories, Mayo Clinic
Classification: Uncertain significance. Last evaluated: 2024-12-04. Review status: criteria provided, single submitter. Criteria: ACMG Guidelines, 2015. Collection method: clinical testing. Allele origin: germline. Observed: 2 variant alleles.
Comment: BP4

Labcorp Genetics (formerly Invitae), Labcorp
Classification: Uncertain significance for Neuronopathy, distal hereditary motor, autosomal recessive 4; Charcot-Marie-Tooth disease recessive intermediate C. Last evaluated: 2022-09-01. Review status: criteria provided, single submitter. Criteria: Invitae Variant Classification Sherloc (09022015). Collection method: clinical testing. Allele origin: germline.
Comment: This sequence change replaces arginine, which is basic and polar, with glutamine, which is neutral and polar, at codon 842 of the PLEKHG5 protein (p.Arg842Gln). This variant is present in population databases (rs149682441, gnomAD 0.03%). This variant has not been reported in the literature in individuals affected with PLEKHG5-related conditions. ClinVar contains an entry for this variant (Variation ID: 245769). Algorithms developed to predict the effect of missense changes on protein structure and function output the following: SIFT: "Tolerated"; PolyPhen-2: "Benign"; Align-GVGD: "Class C0". The glutamine amino acid residue is found in multiple mammalian species, which suggests that this missense change does not adversely affect protein function. In summary, the available evidence is currently insufficient to determine the role of this variant in disease. Therefore, it has been classified as a Variant of Uncertain Significance.

GeneDx
Classification: Uncertain significance. Last evaluated: 2020-02-10. Review status: criteria provided, single submitter. Criteria: GeneDx Variant Classification Process June 2021. Collection method: clinical testing. Allele origin: germline. Affected: yes.
Comment: In silico analysis supports that this missense variant does not alter protein structure/function; Has not been previously published as pathogenic or benign to our knowledge

Ambry Genetics
Classification: Uncertain significance for Inborn genetic diseases. Last evaluated: 2019-12-10. Review status: criteria provided, single submitter. Criteria: Ambry Variant Classification Scheme 2023. Collection method: clinical testing. Allele origin: germline.
Comment: The p.R842Q variant (also known as c.2525G>A), located in coding exon 19 of the PLEKHG5 gene, results from a G to A substitution at nucleotide position 2525. The arginine at codon 842 is replaced by glutamine, an amino acid with highly similar properties. This amino acid position is poorly conserved in available vertebrate species. In addition, this alteration is predicted to be tolerated by in silico analysis. Since supporting evidence is limited at this time, the clinical significance of this alteration remains unclear.

Eurofins Ntd Llc (ga)
Classification: Uncertain significance. Last evaluated: 2017-06-22. Review status: criteria provided, single submitter. Criteria: EGL Classification Definitions 2015. Collection method: clinical testing. Allele origin: germline. Observed: 2 variant alleles, 2 heterozygotes.

NM_020631.6(PLEKHG5):c.2525G>A (p.Arg842Gln)

Gene: PLEKHG5 (pleckstrin homology and RhoGEF domain containing G5; minus strand). Cytogenetic location: 1p36.31.
Variant type: single nucleotide variant.
Coding change: c.2525G>A on transcript NM_020631.6 (MANE Select); coding-DNA position 2525, G replaced by A.
Protein change: p.Arg842Gln; replaces arginine 842 with glutamine.
Molecular consequence: missense variant.
Genome position (GRCh38, 1-based): chr1:6,468,311, C>T on the plus strand (G>A on the coding strand, the complement: PLEKHG5 is on the minus strand). VCF-style: chr1-6468311-C-T. GRCh37 (hg19) VCF-style: chr1-6528371-C-T.
Other names: p.Arg842Gln; c.2636G>A, p.Arg879Gln (NM_001042663.3, NM_001265592.2); c.2525G>A, p.Arg842Gln (NM_001042664.2, NM_001042665.2, NM_001265594.3 and 1 more transcripts); c.2732G>A, p.Arg911Gln (NM_001265593.2); c.2525G>A (NM_020631.5); short protein forms R842Q, R911Q, R919Q, R879Q.
Identifiers: ClinVar variation 245769 (VCV000245769.21), dbSNP rs149682441, ClinGen allele CA561143.
Genomic context (GRCh38, chr1:6,468,311, plus strand): 5'-GTGCGGCGGCGGAGACGGGGCGAGGGTGGAGGGGAAGGAACTCGTGGGGACTCTGGGGCC[C>T]GAGGCACTAGCTCTGCCATTGGGCCTGGGGCCACAAAGTCTTGTAAGGAGGTTGGGGAGA-3'
Protein context (NP_065682.2, residues 832-852): APGPMAELVP[Arg842Gln]APESPRVPSP